The following is an entry in ClinVar:

ClinVar aggregate classification (germline): Uncertain significance. Review status: criteria provided, multiple submitters, no conflicts (2 of 4 stars). 2 submissions from 2 submitters: Uncertain significance (2). Last evaluated 2025-11-02.

Allele frequency attached by ClinVar (database versions not stated): gnomAD 0.00020; ESP Exome Variant Server 0.00023; TOPMed 0.00023; ExAC 0.00029.
gnomAD v4.1: 452 of 1,563,448 alleles (0.029%); highest among the groups gnomAD compares: Non-Finnish European, 0.037%; no homozygotes.

Submissions (2):

Labcorp Genetics (formerly Invitae), Labcorp
Classification: Uncertain significance. Last evaluated: 2025-11-02. Review status: criteria provided, single submitter. Criteria: Invitae Variant Classification Sherloc (09022015). Collection method: clinical testing. Allele origin: germline.
Comment: This sequence change replaces histidine, which is basic and polar, with glutamine, which is neutral and polar, at codon 290 of the SUCO protein (p.His290Gln). This variant is present in population databases (rs150365014, gnomAD 0.03%). This variant has not been reported in the literature in individuals affected with SUCO-related conditions. ClinVar contains an entry for this variant (Variation ID: 2037977). An algorithm developed to predict the effect of missense changes on protein structure and function (PolyPhen-2) suggests that this variant is likely to be disruptive. In summary, the available evidence is currently insufficient to determine the role of this variant in disease. Therefore, it has been classified as a Variant of Uncertain Significance.

Ambry Genetics
Classification: Uncertain significance. Last evaluated: 2025-08-14. Review status: criteria provided, single submitter. Criteria: Ambry Variant Classification Scheme 2023. Collection method: clinical testing. Allele origin: germline.

NM_014283.5(SUCO):c.870T>A (p.His290Gln)

Gene: SUCO (SUN domain containing ossification factor; plus strand). Cytogenetic location: 1q24.3.
Variant type: single nucleotide variant.
Coding change: c.870T>A on transcript NM_014283.5 (MANE Select); coding-DNA position 870, T replaced by A.
Protein change: p.His290Gln; replaces histidine 290 with glutamine.
Molecular consequence: missense variant. On other transcripts: 5 prime UTR variant (1).
Genome position (GRCh38, 1-based): chr1:172,570,060, T>A. VCF-style: chr1-172570060-T-A. GRCh37 (hg19) VCF-style: chr1-172539200-T-A.
Other names: c.870T>A (NM_014283.3); c.759T>A, p.His253Gln (NM_001282750.2); c.-660T>A (NM_001282751.2); c.1344T>A, p.His448Gln (NM_016227.4); short protein forms H448Q, H253Q, H290Q.
Identifiers: ClinVar variation 2037977 (VCV002037977.7), dbSNP rs150365014, ClinGen allele CA1246674.